The following is an entry in ClinVar:

ClinVar aggregate classification (germline): Likely benign (1 of 4 stars; one submission).

Allele frequency attached by ClinVar (database versions not stated): gnomAD exomes 0.00411; gnomAD 0.00531; ExAC 0.00632.
gnomAD v4.1: 3,086 of 1,393,264 alleles (0.22%); highest among the groups gnomAD compares: South Asian, 0.28%; no homozygotes.

Submission:

CeGaT Center for Human Genetics Tuebingen
Classification: Likely benign. Last evaluated: 2023-03-01. Review status: criteria provided, single submitter. Criteria: CeGaT Center For Human Genetics Tuebingen Variant Classification Criteria Version 2. Collection method: clinical testing. Allele origin: germline. Affected: yes. Observed: 1 variant allele.
Comment: MUC20: BP4, BP7

NM_001282506.2(MUC20):c.1158C>T (p.Ser386=)

Gene: MUC20 (mucin 20, cell surface associated). Cytogenetic location: 3q29.
Variant type: single nucleotide variant.
Coding change: c.1158C>T on transcript NM_001282506.2 (MANE Select); coding-DNA position 1158, C replaced by T.
Protein change: p.Ser386=; no amino-acid change (serine 386 retained).
Molecular consequence: synonymous variant.
Genome position (GRCh38, 1-based): chr3:195,725,761, C>T. VCF-style: chr3-195725761-C-T. GRCh37 (hg19) VCF-style: chr3-195452632-C-T.
Other names: c.642C>T, p.Ser214= (NM_001291833.1); c.702C>T, p.Ser234= (NM_020790.1).
Identifiers: ClinVar variation 2654370 (VCV002654370.24), dbSNP rs202105114, ClinGen allele CA2766725.